The following is an entry in ClinVar:

ClinVar aggregate classification (germline): Uncertain significance (1 of 4 stars; one submission).

Conditions:
Renal cell carcinoma. Identifiers: Orphanet 217071, MedGen C0007134, MeSH D002292, MONDO:0005086, HP:0005584.

Submission:

Labcorp Genetics (formerly Invitae), Labcorp
Classification: Uncertain significance for Renal cell carcinoma. Last evaluated: 2024-02-05. Review status: criteria provided, single submitter. Criteria: Invitae Variant Classification Sherloc (09022015). Collection method: clinical testing. Allele origin: germline.
Comment: This sequence change replaces lysine, which is basic and polar, with asparagine, which is neutral and polar, at codon 305 of the MET protein (p.Lys305Asn). This variant is not present in population databases (gnomAD no frequency). This variant has not been reported in the literature in individuals affected with MET-related conditions. Advanced modeling of protein sequence and biophysical properties (such as structural, functional, and spatial information, amino acid conservation, physicochemical variation, residue mobility, and thermodynamic stability) performed at Invitae indicates that this missense variant is expected to disrupt MET protein function with a positive predictive value of 80%. In summary, the available evidence is currently insufficient to determine the role of this variant in disease. Therefore, it has been classified as a Variant of Uncertain Significance.

NM_000245.4(MET):c.915A>C (p.Lys305Asn)

Gene: MET (MET proto-oncogene, receptor tyrosine kinase; plus strand). Cytogenetic location: 7q31.2.
Variant type: single nucleotide variant.
Coding change: c.915A>C on transcript NM_000245.4 (MANE Select); coding-DNA position 915, A replaced by C.
Protein change: p.Lys305Asn; replaces lysine 305 with asparagine.
Molecular consequence: missense variant. On other transcripts: intron variant (1).
Genome position (GRCh38, 1-based): chr7:116,699,999, A>C. VCF-style: chr7-116699999-A-C. GRCh37 (hg19) VCF-style: chr7-116340053-A-C.
Other names: c.915A>C, p.Lys305Asn (NM_001127500.3, NM_001324401.3); c.-91+27422A>C (NM_001324402.2); short protein forms K305N.
Identifiers: ClinVar variation 3638783 (VCV003638783.2).
Genomic context (GRCh38, chr7:116,699,999, plus strand): 5'-CTCTGGATTGCATTCCTACATGGAAATGCCTCTGGAGTGTATTCTCACAGAAAAGAGAAA[A>C]AAGAGATCCACAAAGAAGGAAGTGTTTAATATACTTCAGGCTGCGTATGTCAGCAAGCCT-3'
Protein context (NP_000236.2, residues 295-315): PLECILTEKR[Lys305Asn]KRSTKKEVFN